The following is an entry in ClinVar:

ClinVar aggregate classification (germline): Uncertain significance (1 of 4 stars; one submission).

gnomAD v4.1: 1 of 1,607,570 alleles (0.000062%); highest among the groups gnomAD compares: Non-Finnish European, 0.000085%; no homozygotes.

Submission:

GeneDx
Classification: Uncertain significance. Last evaluated: 2022-01-17. Review status: criteria provided, single submitter. Criteria: GeneDx Variant Classification Process June 2021. Collection method: clinical testing. Allele origin: germline. Affected: yes.
Comment: Not observed at significant frequency in large population cohorts (gnomAD); Nonsense variant predicted to result in protein truncation or nonsense mediated decay in a gene for which loss-of-function is not a known mechanism of disease; Has not been previously published as pathogenic or benign to our knowledge; Variants in candidate genes are classified as variants of uncertain significance in accordance with ACMG guidelines (Richards et al., 2015)

NM_015030.2(FRYL):c.7706T>G (p.Leu2569Ter)

Gene: FRYL (FRY like transcription coactivator; minus strand). Cytogenetic location: 4p11.
Variant type: single nucleotide variant.
Coding change: c.7706T>G on transcript NM_015030.2 (MANE Select); coding-DNA position 7706, T replaced by G.
Protein change: p.Leu2569Ter; replaces leucine 2569 with a stop codon.
Molecular consequence: nonsense.
Genome position (GRCh38, 1-based): chr4:48,515,259, A>C on the plus strand (T>G on the coding strand, the complement: FRYL is on the minus strand). VCF-style: chr4-48515259-A-C. GRCh37 (hg19) VCF-style: chr4-48517276-A-C.
Other names: short protein forms L2569*.
Identifiers: ClinVar variation 3342360 (VCV003342360.1).